The following is an entry in ClinVar:

ClinVar aggregate classification (germline): Uncertain significance (1 of 4 stars; one submission).

Allele frequency attached by ClinVar (database versions not stated): ExAC 0.00001; TOPMed 0.00002.

Submission:

CeGaT Center for Human Genetics Tuebingen
Classification: Uncertain significance. Last evaluated: 2022-12-01. Review status: criteria provided, single submitter. Criteria: CeGaT Center For Human Genetics Tuebingen Variant Classification Criteria Version 2. Collection method: clinical testing. Allele origin: germline. Affected: yes. Observed: 1 variant allele.
Comment: COPA: PM2, PP2

NM_004371.4(COPA):c.2395G>C (p.Ala799Pro)

Gene: COPA (coat protein complex I subunit alpha; minus strand). Cytogenetic location: 1q23.2.
Variant type: single nucleotide variant.
Coding change: c.2395G>C on transcript NM_004371.4 (MANE Select); coding-DNA position 2395, G replaced by C.
Protein change: p.Ala799Pro; replaces alanine 799 with proline.
Molecular consequence: missense variant.
Genome position (GRCh38, 1-based): chr1:160,295,817, C>G on the plus strand (G>C on the coding strand, the complement: COPA is on the minus strand). VCF-style: chr1-160295817-C-G. GRCh37 (hg19) VCF-style: chr1-160265607-C-G.
Other names: c.2422G>C, p.Ala808Pro (NM_001098398.2); short protein forms A799P, A808P.
Identifiers: ClinVar variation 2639499 (VCV002639499.24), dbSNP rs775588427, ClinGen allele CA1197896.